The following is an entry in ClinVar:

ClinVar aggregate classification (germline): Uncertain significance (1 of 4 stars; one submission).

Submission:

GeneDx
Classification: Uncertain significance. Last evaluated: 2022-09-16. Review status: criteria provided, single submitter. Criteria: GeneDx Variant Classification Process June 2021. Collection method: clinical testing. Allele origin: germline. Affected: yes.
Comment: Not observed at significant frequency in large population cohorts (gnomAD); Frameshift variant predicted to result in protein truncation or nonsense mediated decay in a gene or region of a gene for which loss of function is not a well-established mechanism of disease; Has not been previously published as pathogenic or benign to our knowledge; Variants in candidate genes are classified as variants of uncertain significance in accordance with ACMG guidelines (Richards et al., 2015)

NM_004947.5(DOCK3):c.3243del (p.Trp1081fs)

Gene: DOCK3 (dedicator of cytokinesis 3; plus strand). Cytogenetic location: 3p21.2.
Variant type: Deletion.
Coding change: c.3243del on transcript NM_004947.5 (MANE Select); coding-DNA position 3243, one base deleted (G; older notation c.3243delG).
Protein change: p.Trp1081fs; shifts the reading frame from tryptophan 1081.
Molecular consequence: frameshift variant.
Genome position (GRCh38, 1-based): chr3:51,312,892, G deleted; the last of 2 consecutive G bases (chr3:51,312,891-51,312,892); deleting either gives the same sequence. VCF-style (leftmost placement, unchanged base first): chr3-51312890-TG-T. GRCh37 (hg19) VCF-style: chr3-51350321-TG-T.
Other names: short protein forms W1081fs.
Identifiers: ClinVar variation 4529704 (VCV004529704.1).
Genomic context (GRCh38, chr3:51,312,890, plus strand): 5'-GTTACTATTCTTAGGTATGGGGACATGCGTGTAATGATGGCCTATGAACTGTTCAGCATG[TG>T]GCAGAATTTGGGTAGGTTTTTTCTCCCTATTCTTCCCTTCTATATATTGCATAGCCAAAT-3'